The following is an entry in ClinVar:

ClinVar aggregate classification (germline): Uncertain significance (1 of 4 stars; one submission).

Submission:

Labcorp Genetics (formerly Invitae), Labcorp
Classification: Uncertain significance. Last evaluated: 2025-08-24. Review status: criteria provided, single submitter. Criteria: Invitae Variant Classification Sherloc (09022015). Collection method: clinical testing. Allele origin: germline.
Comment: This sequence change replaces alanine, which is neutral and non-polar, with glutamic acid, which is acidic and polar, at codon 31 of the GPR143 protein (p.Ala31Glu). This variant is not present in population databases (gnomAD no frequency). This variant has not been reported in the literature in individuals affected with GPR143-related conditions. Invitae Evidence Modeling of protein sequence and biophysical properties (such as structural, functional, and spatial information, amino acid conservation, physicochemical variation, residue mobility, and thermodynamic stability) has been performed for this missense variant. However, the output from this modeling did not meet the statistical confidence thresholds required to predict the impact of this variant on GPR143 protein function. In summary, the available evidence is currently insufficient to determine the role of this variant in disease. Therefore, it has been classified as a Variant of Uncertain Significance.

NM_000273.3(GPR143):c.92C>A (p.Ala31Glu)

Gene: GPR143 (G protein-coupled receptor 143; minus strand). Cytogenetic location: Xp22.2.
Variant type: single nucleotide variant.
Coding change: c.92C>A on transcript NM_000273.3 (MANE Select); coding-DNA position 92, C replaced by A.
Protein change: p.Ala31Glu; replaces alanine 31 with glutamic acid.
Molecular consequence: missense variant.
Genome position (GRCh38, 1-based): chrX:9,765,726, G>T on the plus strand (C>A on the coding strand, the complement: GPR143 is on the minus strand). VCF-style: chrX-9765726-G-T. GRCh37 (hg19) VCF-style: chrX-9733766-G-T.
Other names: c.92C>A, p.Ala31Glu (NM_001440781.1); short protein forms A31E.
Identifiers: ClinVar variation 4740953 (VCV004740953.1).